The following is an entry in ClinVar:

ClinVar aggregate classification (germline): Conflicting classifications of pathogenicity. Review status: criteria provided, conflicting classifications (1 of 4 stars). 7 submissions from 7 submitters: Uncertain significance (2); Likely benign (5). Last evaluated 2026-02-01.

Allele frequency attached by ClinVar (database versions not stated): TOPMed 0.00021; ESP Exome Variant Server 0.00025; gnomAD exomes 0.00026; gnomAD 0.00028 and 0.00029; ExAC 0.00029; 1000 Genomes Project 30x 0.00031; 1000 Genomes Project 0.00040.
gnomAD v4.1: 429 of 1,613,836 alleles (0.027%); highest among the groups gnomAD compares: Middle Eastern, 0.48%; no homozygotes.

Submissions (7):

CeGaT Center for Human Genetics Tuebingen
Classification: Likely benign. Last evaluated: 2026-02-01. Review status: criteria provided, single submitter. Criteria: CeGaT Center For Human Genetics Tuebingen Variant Classification Criteria Version 2. Collection method: clinical testing. Allele origin: germline. Affected: yes. Observed: 1 variant allele.
Comment: TTBK2: BS2

Genomic Medicine Center of Excellence, King Faisal Specialist Hospital and Research Centre
Classification: Likely benign. Last evaluated: 2025-08-18. Review status: criteria provided, single submitter. Criteria: ACMG Guidelines, 2015. Collection method: clinical testing. Allele origin: germline.

Labcorp Genetics (formerly Invitae), Labcorp
Classification: Uncertain significance. Last evaluated: 2024-12-16. Review status: criteria provided, single submitter. Criteria: Invitae Variant Classification Sherloc (09022015). Collection method: clinical testing. Allele origin: germline.
Comment: This sequence change replaces glycine, which is neutral and non-polar, with alanine, which is neutral and non-polar, at codon 82 of the TTBK2 protein (p.Gly82Ala). This variant is present in population databases (rs200821440, gnomAD 0.04%), and has an allele count higher than expected for a pathogenic variant. This missense change has been observed in individual(s) with spinocerebellar ataxia (PMID: 28362824). ClinVar contains an entry for this variant (Variation ID: 448754). Invitae Evidence Modeling of protein sequence and biophysical properties (such as structural, functional, and spatial information, amino acid conservation, physicochemical variation, residue mobility, and thermodynamic stability) indicates that this missense variant is expected to disrupt TTBK2 protein function with a positive predictive value of 80%. In summary, the available evidence is currently insufficient to determine the role of this variant in disease. Therefore, it has been classified as a Variant of Uncertain Significance.

Blueprint Genetics
Classification: Likely benign. Last evaluated: 2024-10-30. Review status: criteria provided, single submitter. Criteria: ACMG Guidelines, 2015. Collection method: clinical testing. Allele origin: germline.

GeneDx
Classification: Uncertain significance. Last evaluated: 2022-08-29. Review status: criteria provided, single submitter. Criteria: GeneDx Variant Classification Process June 2021. Collection method: clinical testing. Allele origin: germline. Affected: yes.
Comment: Reported as a variant of uncertain significance in an individual with ataxia in published literature (Iqbal et al., 2017); In silico analysis supports that this missense variant has a deleterious effect on protein structure/function; This variant is associated with the following publications: (PMID: 28362824)

Athena Diagnostics
Classification: Likely benign. Last evaluated: 2017-02-01. Review status: criteria provided, single submitter. Criteria: Athena Diagnostics Criteria. Collection method: clinical testing. Allele origin: germline.

Breakthrough Genomics
Classification: Likely benign. Review status: criteria provided, single submitter. Criteria: ACMG Guidelines, 2015. Collection method: not provided. Allele origin: germline. Inheritance: Autosomal dominant inheritance. Affected: yes.

Literature cited by the submitters: PubMed 28362824 (cited by Labcorp Genetics (formerly Invitae), Labcorp).

NM_173500.4(TTBK2):c.245G>C (p.Gly82Ala)

Gene: TTBK2 (tau tubulin kinase 2; minus strand). Cytogenetic location: 15q15.2.
Variant type: single nucleotide variant.
Coding change: c.245G>C on transcript NM_173500.4 (MANE Select); coding-DNA position 245, G replaced by C.
Protein change: p.Gly82Ala; replaces glycine 82 with alanine.
Molecular consequence: missense variant.
Genome position (GRCh38, 1-based): chr15:42,840,406, C>G on the plus strand (G>C on the coding strand, the complement: TTBK2 is on the minus strand). VCF-style: chr15-42840406-C-G. GRCh37 (hg19) VCF-style: chr15-43132604-C-G.
Other names: short protein forms G82A.
Identifiers: ClinVar variation 448754 (VCV000448754.13), dbSNP rs200821440, ClinGen allele CA7517531.